The following is an entry in ClinVar:

ClinVar aggregate classification (germline): Conflicting classifications of pathogenicity. Review status: criteria provided, conflicting classifications (1 of 4 stars). 8 submissions from 6 submitters: Uncertain significance (4); Likely benign (4). Last evaluated 2026-01-28.

Conditions:
RYR1-related disorder. Also called: RYR1-related disorders; RYR1-related condition. Identifiers: MedGen CN239331.
Malignant hyperthermia, susceptibility to, 1 (MHS1). Also called: RYR1-Related Malignant Hyperthermia Susceptibility; Malignant hyperthermia suceptibility 1; Anesthesia related hyperthermia; Malignant hyperpyrexia; Fulminating hyperpyrexia; Pharmacogenic myopathy. Identifiers: Orphanet 423, MedGen C2930980, MONDO:0007783, OMIM 145600.
Central core myopathy (CMYO1A). Also called: CONGENITAL MYOPATHY 1A, AUTOSOMAL DOMINANT, WITH SUSCEPTIBILITY TO MALIGNANT HYPERTHERMIA; Central core disease; Myopathy, central fibrillar. Identifiers: Orphanet 597, MedGen C5830701, MONDO:0007294, OMIM 117000.
Congenital multicore myopathy with external ophthalmoplegia (CMYO1B). Also called: Minicore myopathy with external ophthalmoplegia; MULTIMINICORE DISEASE WITH EXTERNAL OPHTHALMOPLEGIA; MULTICORE MYOPATHY; Congenital myopathy 1B, autosomal recessive; Minicore myopathy. Identifiers: Orphanet 598, Orphanet 98905, MedGen C1850674, MONDO:0009712, OMIM 255320, HP:0003789.

Allele frequency attached by ClinVar (database versions not stated): gnomAD 0.00001; gnomAD exomes 0.00001 and 0.00002; TOPMed 0.00001; ExAC 0.00002.
gnomAD v4.1: 12 of 1,612,202 alleles (0.00074%); highest among the groups gnomAD compares: African/African-American, 0.004%; no homozygotes.

Submissions (8):

Labcorp Genetics (formerly Invitae), Labcorp
Classification: Likely benign for RYR1-related disorder. Last evaluated: 2026-01-28. Review status: criteria provided, single submitter. Criteria: Invitae Variant Classification Sherloc (09022015). Collection method: clinical testing. Allele origin: germline.

All of Us Research Program, National Institutes of Health
Classification: Likely benign for Malignant hyperthermia, susceptibility to, 1. Last evaluated: 2024-09-03. Review status: criteria provided, single submitter. Criteria: ACMG Guidelines, 2015. Collection method: clinical testing. Allele origin: germline. Inheritance: Autosomal dominant inheritance. Observed: 6 variant alleles, 6 heterozygotes.
Comment: This study involves interpretation of variants in research participants for the purpose of population health screening. Participant phenotype was not available at the time of variant classification. Additional details can be found in publication PMID: 35346344, PMCID: PMC8962531

Color Diagnostics, LLC DBA Color Health
Classification: Likely benign for Malignant hyperthermia, susceptibility to, 1. Last evaluated: 2022-12-12. Review status: criteria provided, single submitter. Criteria: ACMG Guidelines, 2015. Collection method: clinical testing. Allele origin: germline.

Illumina Laboratory Services, Illumina
Classification: Uncertain significance for Malignant hyperthermia, susceptibility to, 1. Last evaluated: 2018-01-12. Review status: criteria provided, single submitter. Criteria: ICSL Variant Classification Criteria 13 December 2019. Collection method: clinical testing. Allele origin: germline.

Illumina Laboratory Services, Illumina
Classification: Uncertain significance for Central core myopathy. Last evaluated: 2018-01-12. Review status: criteria provided, single submitter. Criteria: ICSL Variant Classification Criteria 13 December 2019. Collection method: clinical testing. Allele origin: germline.

Illumina Laboratory Services, Illumina
Classification: Uncertain significance for Congenital multicore myopathy with external ophthalmoplegia. Last evaluated: 2018-01-12. Review status: criteria provided, single submitter. Criteria: ICSL Variant Classification Criteria 13 December 2019. Collection method: clinical testing. Allele origin: germline.

GeneDx
Classification: Likely benign. Last evaluated: 2017-12-27. Review status: criteria provided, single submitter. Criteria: GeneDx Variant Classification (06012015). Collection method: clinical testing. Allele origin: germline. Affected: yes.
Comment: This variant is considered likely benign or benign based on one or more of the following criteria: it is a conservative change, it occurs at a poorly conserved position in the protein, it is predicted to be benign by multiple in silico algorithms, and/or has population frequency not consistent with disease.

Laboratory for Molecular Medicine, Mass General Brigham Personalized Medicine
Classification: Uncertain significance. Last evaluated: 2016-03-28. Review status: criteria provided, single submitter. Criteria: LMM Criteria. Collection method: clinical testing. Allele origin: germline.
Comment: Variant identified in a genome or exome case(s) and assessed due to predicted null impact of the variant or pathogenic assertions in the literature or databases. Disclaimer: This variant has not undergone full assessment. The following are preliminary notes: Variant has not been reported. Predicted unlikely impact on splicing.

NM_000540.3(RYR1):c.6549-8G>A

Gene: RYR1 (ryanodine receptor 1; plus strand). Cytogenetic location: 19q13.2.
Variant type: single nucleotide variant.
Coding change: c.6549-8G>A on transcript NM_000540.3 (MANE Select); 8 bases into the intron before coding-DNA position 6549, G replaced by A.
Molecular consequence: intron variant.
Genome position (GRCh38, 1-based): chr19:38,496,207, G>A. VCF-style: chr19-38496207-G-A. GRCh37 (hg19) VCF-style: chr19-38986847-G-A.
Other names: c.6549-8G>A (NM_001042723.2).
Identifiers: ClinVar variation 403411 (VCV000403411.17), dbSNP rs756593088, ClinGen allele CA068419.